The following is an entry in ClinVar:

ClinVar aggregate classification (germline): Benign (1 of 4 stars; one submission).

Allele frequency attached by ClinVar (database versions not stated): 1000 Genomes Project 0.03774; gnomAD 0.03989 and 0.04319; 1000 Genomes Project 30x 0.04107; TOPMed 0.04416.
gnomAD v4.1: 11,337 of 1,434,164 alleles (0.79%); highest among the groups gnomAD compares: African/African-American, 14%; 694 homozygotes.

Submission:

GeneDx
Classification: Benign. Last evaluated: 2018-06-18. Review status: criteria provided, single submitter. Criteria: GeneDx Variant Classification (06012015). Collection method: clinical testing. Allele origin: germline. Affected: yes.
Comment: This variant is considered likely benign or benign based on one or more of the following criteria: it is a conservative change, it occurs at a poorly conserved position in the protein, it is predicted to be benign by multiple in silico algorithms, and/or has population frequency not consistent with disease.

NM_182961.4(SYNE1):c.402+62A>C

Gene: SYNE1 (spectrin repeat containing nuclear envelope protein 1; minus strand). Cytogenetic location: 6q25.2.
Variant type: single nucleotide variant.
Coding change: c.402+62A>C on transcript NM_182961.4 (MANE Select); 62 bases into the intron after coding-DNA position 402, A replaced by C.
Molecular consequence: intron variant.
Genome position (GRCh38, 1-based): chr6:152,510,949, T>G on the plus strand (A>C on the coding strand, the complement: SYNE1 is on the minus strand). VCF-style: chr6-152510949-T-G. GRCh37 (hg19) VCF-style: chr6-152832084-T-G.
Other names: c.423+62A>C (NM_033071.5).
Identifiers: ClinVar variation 674405 (VCV000674405.1), dbSNP rs9478335, ClinGen allele CA150243741.